The following is an entry in ClinVar:

NM_020821.3(VPS13C):c.4856T>C (p.Ile1619Thr)

Gene: VPS13C (vacuolar protein sorting 13 homolog C; minus strand). Cytogenetic location: 15q22.2.
Variant type: single nucleotide variant.
Coding change: c.4856T>C on transcript NM_020821.3 (MANE Select); coding-DNA position 4856, T replaced by C.
Protein change: p.Ile1619Thr; replaces isoleucine 1619 with threonine.
Molecular consequence: missense variant.
Genome position (GRCh38, 1-based): chr15:61,947,213, A>G on the plus strand (T>C on the coding strand, the complement: VPS13C is on the minus strand). VCF-style: chr15-61947213-A-G. GRCh37 (hg19) VCF-style: chr15-62239412-A-G.
Other names: c.4856T>C, p.Ile1619Thr (NM_001018088.3); c.4727T>C, p.Ile1576Thr (NM_017684.5, NM_018080.4); short protein forms I1619T, I1576T.
Identifiers: ClinVar variation 2139659 (VCV002139659.10), dbSNP rs772142450, ClinGen allele CA7595982.

ClinVar aggregate classification (germline): Uncertain significance. Review status: criteria provided, multiple submitters, no conflicts (2 of 4 stars). 2 submissions from 2 submitters: Uncertain significance (2). Last evaluated 2025-02-01.

Allele frequency attached by ClinVar (database versions not stated): ExAC 0.00007; gnomAD exomes 0.00007; gnomAD 0.00008; TOPMed 0.00008.
gnomAD v4.1: 110 of 1,596,562 alleles (0.0069%); highest among the groups gnomAD compares: East Asian, 0.032%; no homozygotes.

Submissions (2):

CeGaT Center for Human Genetics Tuebingen
Classification: Uncertain significance. Last evaluated: 2025-02-01. Review status: criteria provided, single submitter. Criteria: CeGaT Center For Human Genetics Tuebingen Variant Classification Criteria Version 2. Collection method: clinical testing. Allele origin: germline. Affected: yes. Observed: 1 variant allele.
Comment: VPS13C: PM2

Labcorp Genetics (formerly Invitae), Labcorp
Classification: Uncertain significance. Last evaluated: 2022-03-28. Review status: criteria provided, single submitter. Criteria: Invitae Variant Classification Sherloc (09022015). Collection method: clinical testing. Allele origin: germline.
Comment: In summary, the available evidence is currently insufficient to determine the role of this variant in disease. Therefore, it has been classified as a Variant of Uncertain Significance. This sequence change replaces isoleucine, which is neutral and non-polar, with threonine, which is neutral and polar, at codon 1619 of the VPS13C protein (p.Ile1619Thr). This variant is present in population databases (rs772142450, gnomAD 0.08%). This variant has not been reported in the literature in individuals affected with VPS13C-related conditions. Algorithms developed to predict the effect of missense changes on protein structure and function (SIFT, PolyPhen-2, Align-GVGD) all suggest that this variant is likely to be tolerated.